The following is an entry in ClinVar:

NM_015506.3(MMACHC):c.*279A>G

Gene: MMACHC (metabolism of cobalamin associated C; plus strand). Cytogenetic location: 1p34.1.
Variant type: single nucleotide variant.
Coding change: c.*279A>G on transcript NM_015506.3 (MANE Select); 279 bases downstream of the stop codon, A replaced by G.
Molecular consequence: 3 prime UTR variant.
Genome position (GRCh38, 1-based): chr1:45,509,494, A>G. VCF-style: chr1-45509494-A-G. GRCh37 (hg19) VCF-style: chr1-45975166-A-G.
Other names: c.*279A>G (NM_001330540.2).
Identifiers: ClinVar variation 297502 (VCV000297502.10), dbSNP rs9729395, ClinGen allele CA10610038.

ClinVar aggregate classification (germline): Benign. Review status: criteria provided, multiple submitters, no conflicts (2 of 4 stars). 5 submissions from 5 submitters: Benign (4). 1 of the submissions does not count toward it. Last evaluated 2023-04-11.

Conditions:
Disorders of Intracellular Cobalamin Metabolism. Identifiers: MedGen CN043592.
Cobalamin C disease. Also called: Methylmalonic aciduria with homocystinuria cblC type; methylmalonic aciduria and homocystinuria type cblC; Methylmalonic aciduria and homocystinuria, Vitamin B12-responsive; Vitamin B12 metabolic defect with combined deficiency of methylmalonyl-CoA mutase and homocysteine:methyltetrahydrofolate methyltransferase; Cobalamin-C methylmalonic acidemia and homocystinuria; Methylmalonic acidemia and homocystinuria cblC type. Identifiers: Orphanet 26, Orphanet 79282, MedGen C1848561, MONDO:0010184, OMIM 277400.

Allele frequency attached by ClinVar (database versions not stated): gnomAD exomes 0.18978; gnomAD 0.22677 and 0.22928; TOPMed 0.23648; 1000 Genomes Project 30x 0.26249; 1000 Genomes Project 0.26338.
gnomAD v4.1: 68,468 of 328,944 alleles (21%); highest among the groups gnomAD compares: Admixed American, 29%; 8,011 homozygotes.

Submissions (5):

Genome-Nilou Lab
Classification: Benign for Cobalamin C disease. Last evaluated: 2023-04-11. Review status: criteria provided, single submitter. Criteria: ACMG Guidelines, 2015. Collection method: clinical testing. Allele origin: germline. Affected: no.

GeneDx
Classification: Benign. Last evaluated: 2018-06-28. Review status: criteria provided, single submitter. Criteria: GeneDx Variant Classification Process June 2021. Collection method: clinical testing. Allele origin: germline. Affected: yes.

Illumina Laboratory Services, Illumina
Classification: Benign for Disorders of Intracellular Cobalamin Metabolism. Last evaluated: 2018-01-13. Review status: criteria provided, single submitter. Criteria: ICSL Variant Classification Criteria 13 December 2019. Collection method: clinical testing. Allele origin: germline.
Comment: This variant was observed in the ICSL laboratory as part of a predisposition screen in an ostensibly healthy population. It had not been previously curated by ICSL or reported in the Human Gene Mutation Database (HGMD: prior to June 1st, 2018), and was therefore a candidate for classification through an automated scoring system. Utilizing variant allele frequency, disease prevalence and penetrance estimates, and inheritance mode, an automated score was calculated to assess if this variant is too frequent to cause the disease. Based on the score and internal cut-off values, a variant classified as benign is not then subjected to further curation. The score for this variant resulted in a classification of benign for this disease.

Breakthrough Genomics
Classification: Benign. Review status: criteria provided, single submitter. Criteria: ACMG Guidelines, 2015. Collection method: not provided. Allele origin: germline. Inheritance: Autosomal recessive inheritance. Affected: yes.

Natera, Inc.
Classification: Benign for Methylmalonic aciduria and homocystinuria cblC type. Last evaluated: 2019-07-26. Review status: no assertion criteria provided. Collection method: clinical testing. Allele origin: germline. Not counted in ClinVar's aggregate classification.